The following is an entry in ClinVar:

NM_001244008.2(KIF1A):c.4714C>T (p.His1572Tyr)

Gene: KIF1A (kinesin family member 1A; minus strand). Cytogenetic location: 2q37.3.
Variant type: single nucleotide variant.
Coding change: c.4714C>T on transcript NM_001244008.2 (MANE Select); coding-DNA position 4714, C replaced by T.
Protein change: p.His1572Tyr; replaces histidine 1572 with tyrosine.
Molecular consequence: missense variant.
Genome position (GRCh38, 1-based): chr2:240,721,836, G>A on the plus strand (C>T on the coding strand, the complement: KIF1A is on the minus strand). VCF-style: chr2-240721836-G-A. GRCh37 (hg19) VCF-style: chr2-241661253-G-A.
Other names: c.4438C>T, p.His1480Tyr (NM_001320705.2, NM_001379649.1); c.4465C>T, p.His1489Tyr (NM_001330289.2); c.4513C>T, p.His1505Tyr (NM_001330290.2, NM_001379648.1); c.4789C>T, p.His1597Tyr (NM_001379631.1); c.4690C>T, p.His1564Tyr (NM_001379632.1); c.4687C>T, p.His1563Tyr (NM_001379633.1, NM_001379645.1); c.4540C>T, p.His1514Tyr (NM_001379634.1); c.4537C>T, p.His1513Tyr (NM_001379635.1, NM_001379646.1); and 7 more; short protein forms H1471Y, H1488Y, H1489Y, H1563Y, H1597Y, H1470Y, H1479Y, H1480Y.
Identifiers: ClinVar variation 2936347 (VCV002936347.3), dbSNP rs2536679960, ClinGen allele CA351302987.

ClinVar aggregate classification (germline): Uncertain significance (1 of 4 stars; one submission).

Conditions:
Neuropathy, hereditary sensory, type 2C. Also called: KIF1A-Related HSAN2 (HSAN2C); Hereditary sensory and autonomic neuropathy type IIC. Identifiers: Orphanet 970, MedGen C3280168, MONDO:0013634, OMIM 614213.
Hereditary spastic paraplegia 30. Identifiers: Orphanet 101010, MedGen C5235139, MONDO:0012476.
Intellectual disability, autosomal dominant 9 (NESCAVS). Also called: NESCAV SYNDROME; KIF1A-Related Neurodevelopmental Disorder. Identifiers: Orphanet 662367, MedGen C5393830, MONDO:0013656, OMIM 614255.

Submission:

Labcorp Genetics (formerly Invitae), Labcorp
Classification: Uncertain significance for Hereditary spastic paraplegia 30; Neuropathy, hereditary sensory, type 2C; Intellectual disability, autosomal dominant 9. Last evaluated: 2023-12-11. Review status: criteria provided, single submitter. Criteria: Invitae Variant Classification Sherloc (09022015). Collection method: clinical testing. Allele origin: germline.
Comment: This sequence change replaces histidine, which is basic and polar, with tyrosine, which is neutral and polar, at codon 1471 of the KIF1A protein (p.His1471Tyr). This variant is not present in population databases (gnomAD no frequency). This variant has not been reported in the literature in individuals affected with KIF1A-related conditions. Advanced modeling of protein sequence and biophysical properties (such as structural, functional, and spatial information, amino acid conservation, physicochemical variation, residue mobility, and thermodynamic stability) performed at Invitae indicates that this missense variant is not expected to disrupt KIF1A protein function with a negative predictive value of 95%. In summary, the available evidence is currently insufficient to determine the role of this variant in disease. Therefore, it has been classified as a Variant of Uncertain Significance.